The following is an entry in ClinVar:

ClinVar aggregate classification (germline): Benign. Review status: criteria provided, multiple submitters, no conflicts (2 of 4 stars). 4 submissions from 4 submitters: Benign (4). Last evaluated 2023-11-12.

Conditions:
Fibrous dysplasia of jaw (CRBM). Also called: Cherubism. Identifiers: Orphanet 184, MedGen C0008029, MONDO:0007315, OMIM 118400.

Allele frequency attached by ClinVar (database versions not stated): gnomAD exomes 0.72600 and 0.74908; ExAC 0.74807; 1000 Genomes Project 0.77676; gnomAD 0.78105 and 0.78376; ESP Exome Variant Server 0.78156; 1000 Genomes Project 30x 0.78201; TOPMed 0.79689.
gnomAD v4.1: 1,164,709 of 1,592,024 alleles (73%); highest among the groups gnomAD compares: African/African-American, 92%; 430,052 homozygotes.

Submissions (4):

Unidad de Genómica Garrahan, Hospital de Pediatría Garrahan
Classification: Benign. Last evaluated: 2023-11-12. Review status: criteria provided, single submitter. Criteria: ACMG Guidelines, 2015. Collection method: clinical testing. Allele origin: germline. Affected: no. Observed: 91 variant alleles.
Comment: This variant is classified as Benign based on local population frequency. This variant was detected in 95% of patients studied by a panel of primary immunodeficiencies. Number of patients: 91. Only high quality variants are reported.

Genome-Nilou Lab
Classification: Benign for Fibrous dysplasia of jaw. Last evaluated: 2021-07-15. Review status: criteria provided, single submitter. Criteria: ACMG Guidelines, 2015. Collection method: clinical testing. Allele origin: germline. Affected: no.

GeneDx
Classification: Benign. Last evaluated: 2021-05-14. Review status: criteria provided, single submitter. Criteria: GeneDx Variant Classification Process June 2021. Collection method: clinical testing. Allele origin: germline. Affected: yes.

Breakthrough Genomics
Classification: Benign. Review status: criteria provided, single submitter. Criteria: ACMG Guidelines, 2015. Collection method: not provided. Allele origin: germline. Inheritance: Autosomal dominant inheritance. Affected: yes.

NM_001122681.2(SH3BP2):c.517+32T>C

Gene: SH3BP2 (SH3 domain binding protein 2; plus strand). Cytogenetic location: 4p16.3.
Variant type: single nucleotide variant.
Coding change: c.517+32T>C on transcript NM_001122681.2 (MANE Select); 32 bases into the intron after coding-DNA position 517, T replaced by C.
Molecular consequence: intron variant.
Genome position (GRCh38, 1-based): chr4:2,827,350, T>C. VCF-style: chr4-2827350-T-C. GRCh37 (hg19) VCF-style: chr4-2829077-T-C.
Other names: c.601+32T>C (NM_001145855.2); c.688+32T>C (NM_001145856.2); c.517+32T>C (NM_003023.4).
Identifiers: ClinVar variation 1294927 (VCV001294927.7), dbSNP rs2269485, ClinGen allele CA2819206.